The following is an entry in ClinVar:

ClinVar aggregate classification (germline): Benign (1 of 4 stars; one submission).

Allele frequency attached by ClinVar (database versions not stated): gnomAD exomes 0.00268; 1000 Genomes Project 0.02097; 1000 Genomes Project 30x 0.02155; gnomAD 0.02327 and 0.02517; TOPMed 0.02700.
gnomAD v4.1: 4,923 of 644,936 alleles (0.76%); highest among the groups gnomAD compares: African/African-American, 8.1%; 180 homozygotes.

Submission:

GeneDx
Classification: Benign. Last evaluated: 2018-06-14. Review status: criteria provided, single submitter. Criteria: GeneDx Variant Classification (06012015). Collection method: clinical testing. Allele origin: germline. Affected: yes.
Comment: This variant is considered likely benign or benign based on one or more of the following criteria: it is a conservative change, it occurs at a poorly conserved position in the protein, it is predicted to be benign by multiple in silico algorithms, and/or has population frequency not consistent with disease.

NM_001130438.3(SPTAN1):c.3520-209A>G

Gene: SPTAN1 (spectrin alpha, non-erythrocytic 1; plus strand). Cytogenetic location: 9q34.11.
Variant type: single nucleotide variant.
Coding change: c.3520-209A>G on transcript NM_001130438.3 (MANE Select); 209 bases into the intron before coding-DNA position 3520, A replaced by G.
Molecular consequence: intron variant.
Genome position (GRCh38, 1-based): chr9:128,598,754, A>G. VCF-style: chr9-128598754-A-G. GRCh37 (hg19) VCF-style: chr9-131361033-A-G.
Other names: c.3520-209A>G (NM_001363759.2, NM_003127.4); c.3460-209A>G (NM_001363765.2, NM_001195532.2).
Identifiers: ClinVar variation 677471 (VCV000677471.1), dbSNP rs112064644, ClinGen allele CA200392389.